The following is an entry in ClinVar:

ClinVar aggregate classification (germline): Likely pathogenic (1 of 4 stars; one submission).

Conditions:
Alport syndrome. Also called: Hemorrhagic familial nephritis; Hemorrhagic hereditary nephritis; Congenital hereditary hematuria. Identifiers: Orphanet 63, MedGen C1567741, MONDO:0018965.

Submission:

Victorian Clinical Genetics Services, Murdoch Childrens Research Institute
Classification: Likely pathogenic for Alport syndrome. Last evaluated: 2025-02-05. Review status: criteria provided, single submitter. Criteria: ACMG Guidelines, 2015. Collection method: clinical testing. Allele origin: germline. Affected: yes.
Comment: This variant is classified as Likely pathogenic. Evidence in support of pathogenic classification: Canonical splice site variant without proven consequence on splicing (no functional evidence available); Variant is absent from gnomAD (v2, v3 and v4); Other splice variant(s) comparable to the one identified in this case have limited previous evidence for pathogenicity. c.2056+1G>A has been classified once as pathogenic in an individual with a clinical history of renal cysts, haematuria and proteinuria (LOVD, email correspondence); Abnormal splicing is predicted by in silico tool and affected nucleotide is highly conserved. Additional information: This variant is heterozygous; This gene is associated with both recessive and dominant disease. Alport syndrome typically has biallelic inheritance, although rare cases of monoallelic inheritance have been reported (PMID: 28704582). Thin basement membrane nephropathy (TBMN) and focal segmental glomerulosclerosis (FSGS) are associated with autosomal dominant inheritance (OMIM, PMIDs: 16467446, 17942953); This variant has no previous evidence of pathogenicity; No published segregation evidence has been identified for this variant; No published functional evidence has been identified for this variant; Loss of function is a known mechanism of disease for this gene and is associated with Alport syndrome. Dominant negative is a suspected mechanism of disease for this gene as it is a structural protein (PMIDs: 12028435, 24046192); Inheritance information for this variant is not currently available in this individual.

Literature cited by the submitters: PubMed 24046192; PubMed 16467446; PubMed 12028435; PubMed 28704582; PubMed 17942953.

NM_000092.5(COL4A4):c.2056+1G>C

Gene: COL4A4 (collagen type IV alpha 4 chain; minus strand). Cytogenetic location: 2q36.3.
Variant type: single nucleotide variant.
Coding change: c.2056+1G>C on transcript NM_000092.5 (MANE Select); the canonical splice donor site of the intron after coding-DNA position 2056, G replaced by C.
Molecular consequence: splice donor variant.
Genome position (GRCh38, 1-based): chr2:227,062,529, C>G on the plus strand (G>C on the coding strand, the complement: COL4A4 is on the minus strand). VCF-style: chr2-227062529-C-G. GRCh37 (hg19) VCF-style: chr2-227927245-C-G.
Identifiers: ClinVar variation 4531830 (VCV004531830.1).